The following is an entry in ClinVar:

ClinVar aggregate classification (germline): Uncertain significance (1 of 4 stars; one submission).

Conditions:
Hereditary hemorrhagic telangiectasia (HHT). Also called: ORW DISEASE; Osler Weber Rendu syndrome; OSLER-RENDU-WEBER DISEASE; Osler hemorrhagic telangiectasia syndrome. Identifiers: Orphanet 774, MedGen C0039445, MONDO:0019180. Disease mechanism: loss of function.

Submission:

Labcorp Genetics (formerly Invitae), Labcorp
Classification: Uncertain significance for Hereditary hemorrhagic telangiectasia. Last evaluated: 2023-01-01. Review status: criteria provided, single submitter. Criteria: Invitae Variant Classification Sherloc (09022015). Collection method: clinical testing. Allele origin: germline.
Comment: This sequence change replaces glutamic acid, which is acidic and polar, with valine, which is neutral and non-polar, at codon 239 of the ENG protein (p.Glu239Val). This variant is not present in population databases (gnomAD no frequency). This variant has not been reported in the literature in individuals affected with ENG-related conditions. Advanced modeling of protein sequence and biophysical properties (such as structural, functional, and spatial information, amino acid conservation, physicochemical variation, residue mobility, and thermodynamic stability) has been performed at Invitae for this missense variant, however the output from this modeling did not meet the statistical confidence thresholds required to predict the impact of this variant on ENG protein function. In summary, the available evidence is currently insufficient to determine the role of this variant in disease. Therefore, it has been classified as a Variant of Uncertain Significance.

NM_001114753.3(ENG):c.716A>T (p.Glu239Val)

Gene: ENG (endoglin; minus strand). Cytogenetic location: 9q34.11.
Variant type: single nucleotide variant.
Coding change: c.716A>T on transcript NM_001114753.3 (MANE Select); coding-DNA position 716, A replaced by T.
Protein change: p.Glu239Val; replaces glutamic acid 239 with valine.
Molecular consequence: missense variant.
Genome position (GRCh38, 1-based): chr9:127,825,331, T>A on the plus strand (A>T on the coding strand, the complement: ENG is on the minus strand). VCF-style: chr9-127825331-T-A. GRCh37 (hg19) VCF-style: chr9-130587610-T-A.
Other names: c.716A>T, p.Glu239Val (NM_000118.4, NM_001406715.1); c.170A>T, p.Glu57Val (NM_001278138.2); short protein forms E239V, E57V.
Identifiers: ClinVar variation 2823490 (VCV002823490.3), dbSNP rs2539074309, ClinGen allele CA374983421.